The following is an entry in ClinVar:

NM_001278431.2(C1QTNF5):c.239C>G (p.Pro80Arg)

Genes: C1QTNF5 (C1q and TNF related 5; minus strand), MFRP (membrane frizzled-related protein; minus strand). Cytogenetic location: 11q23.3.
Variant type: single nucleotide variant.
Coding change: c.239C>G on transcript NM_001278431.2 (MANE Select); coding-DNA position 239, C replaced by G.
Protein change: p.Pro80Arg; replaces proline 80 with arginine.
Molecular consequence: missense variant. On other transcripts: 3 prime UTR variant (1).
Genome position (GRCh38, 1-based): chr11:119,339,824, G>C on the plus strand (C>G on the coding strand, the complement: C1QTNF5 is on the minus strand). VCF-style: chr11-119339824-G-C. GRCh37 (hg19) VCF-style: chr11-119210534-G-C.
Other names: c.239C>G, p.Pro80Arg (NM_015645.5); c.*1135C>G (NM_031433.4); short protein forms P80R.
Identifiers: ClinVar variation 2886550 (VCV002886550.3), dbSNP rs779621786, ClinGen allele CA6319971.

ClinVar aggregate classification (germline): Uncertain significance (1 of 4 stars; one submission).

Allele frequency attached by ClinVar (database versions not stated): gnomAD 0.00002; gnomAD exomes 0.00002; TOPMed 0.00002; ExAC 0.00015.
gnomAD v4.1: 27 of 1,512,454 alleles (0.0018%); highest among the groups gnomAD compares: Non-Finnish European, 0.0023%; no homozygotes.

Submission:

Labcorp Genetics (formerly Invitae), Labcorp
Classification: Uncertain significance. Last evaluated: 2023-01-06. Review status: criteria provided, single submitter. Criteria: Invitae Variant Classification Sherloc (09022015). Collection method: clinical testing. Allele origin: germline.
Comment: This variant is present in population databases (rs779621786, gnomAD 0.002%). In summary, the available evidence is currently insufficient to determine the role of this variant in disease. Therefore, it has been classified as a Variant of Uncertain Significance. Algorithms developed to predict the effect of missense changes on protein structure and function are either unavailable or do not agree on the potential impact of this missense change (SIFT: "Deleterious"; PolyPhen-2: "Benign"; Align-GVGD: "Class C25"). This variant has not been reported in the literature in individuals affected with C1QTNF5-related conditions. This sequence change replaces proline, which is neutral and non-polar, with arginine, which is basic and polar, at codon 80 of the C1QTNF5 protein (p.Pro80Arg).